The following is an entry in ClinVar:

NM_032607.3(CREB3L3):c.821+3G>A

Gene: CREB3L3 (cAMP responsive element binding protein 3 like 3; plus strand). Cytogenetic location: 19p13.3.
Variant type: single nucleotide variant.
Coding change: c.821+3G>A on transcript NM_032607.3 (MANE Select); 3 bases into the intron after coding-DNA position 821, G replaced by A.
Molecular consequence: intron variant.
Genome position (GRCh38, 1-based): chr19:4,168,460, G>A. VCF-style: chr19-4168460-G-A. GRCh37 (hg19) VCF-style: chr19-4168457-G-A.
Other names: c.715-1680G>A (NM_001271997.2); c.815+3G>A (NM_001271996.2); c.818+3G>A (NM_001271995.2).
Identifiers: ClinVar variation 3036894 (VCV003036894.2), dbSNP rs769704602, ClinGen allele CA882309316.

ClinVar aggregate classification (germline): Likely benign (0 of 4 stars; one submission).

Conditions:
CREB3L3-related disorder. Also called: CREB3L3-related condition.

Submission:

PreventionGenetics, part of Exact Sciences
Classification: Likely benign for CREB3L3-related condition. Last evaluated: 2020-07-27. Review status: no assertion criteria provided. Collection method: clinical testing. Allele origin: germline.
Comment: This variant is classified as likely benign based on ACMG/AMP sequence variant interpretation guidelines (Richards et al. 2015 PMID: 25741868, with internal and published modifications).